The following is an entry in ClinVar:

NM_004646.4(NPHS1):c.2015_2018delinsTGTCCGT (p.Ala672_Asn673delinsValSerVal)

Gene: NPHS1 (NPHS1 adhesion molecule, nephrin; minus strand). Cytogenetic location: 19q13.12.
Variant type: Indel.
Coding change: c.2015_2018delinsTGTCCGT on transcript NM_004646.4 (MANE Select); coding-DNA positions 2015 to 2018, CTAA replaced by TGTCCGT.
Protein change: p.Ala672_Asn673delinsValSerVal.
Molecular consequence: inframe indel.
Genome position (GRCh38, 1-based): chr19:35,844,372-35,844,375, TTAG replaced by ACGGACA on the plus strand (CTAA replaced by TGTCCGT on the coding strand, the reverse complement: NPHS1 is on the minus strand). VCF-style: chr19-35844372-TTAG-ACGGACA. GRCh37 (hg19) VCF-style: chr19-36335274-TTAG-ACGGACA.
Identifiers: ClinVar variation 5004256 (VCV005004256.1).
Genomic context (GRCh38, chr19:35,844,372, plus strand): 5'-CCCTCACCTGGACTGAGGCGATAGCCGCGGAAGGTCCAGTTGAAGGCCTCGGGGGCGGGG[TTAG>ACGGACA]CGGACACGGACACGGGCAGCAACGCCTCGCCCTGCTCCACCGCGGTCACCACCAGCACCT-3'

ClinVar aggregate classification (germline): Uncertain significance (1 of 4 stars; one submission).

Conditions:
Finnish congenital nephrotic syndrome (NPHS1). Also called: NEPHROTIC SYNDROME, TYPE 1. Identifiers: Orphanet 839, MedGen C0403399, MONDO:0009732, OMIM 256300.

Submission:

Myriad Genetics, Inc.
Classification: Uncertain significance for Finnish congenital nephrotic syndrome. Last evaluated: 2025-10-31. Review status: criteria provided, single submitter. Criteria: Myriad Autosomal Dominant, Autosomal Recessive and X-Linked Classification Criteria (2023). Collection method: clinical testing. Allele origin: unknown.
Comment: NM_004646.3(NPHS1):c.2015_2018del4ins7(A672_N673delinsVSV) is an in-frame deletion classified as a variant of uncertain significance in the context of nephrotic syndrome, NPHS1-related. A672_N673delinsVSV has not been observed in cases with relevant disease. Relevant functional assessments of this variant are not available in the literature. A672_N673delinsVSV has not been observed in referenced population frequency databases. In summary, there is insufficient evidence to classify NM_004646.3(NPHS1):c.2015_2018del4ins7(A672_N673delinsVSV) as pathogenic or benign. Please note: this variant was assessed in the context of healthy population screening.